The following is an entry in ClinVar:

ClinVar aggregate classification (germline): Uncertain significance (1 of 4 stars; one submission).

gnomAD v4.1: 30 of 1,613,194 alleles (0.0019%); highest among the groups gnomAD compares: African/African-American, 0.015%; no homozygotes.

Submission:

Labcorp Genetics (formerly Invitae), Labcorp
Classification: Uncertain significance. Last evaluated: 2025-08-23. Review status: criteria provided, single submitter. Criteria: Invitae Variant Classification Sherloc (09022015). Collection method: clinical testing. Allele origin: germline.
Comment: This sequence change replaces arginine, which is basic and polar, with glutamine, which is neutral and polar, at codon 2489 of the ACAN protein (p.Arg2489Gln). This variant is present in population databases (rs200868527, gnomAD 0.05%). This variant has not been reported in the literature in individuals affected with ACAN-related conditions. An algorithm developed to predict the effect of missense changes on protein structure and function (PolyPhen-2) suggests that this variant is likely to be disruptive. In summary, the available evidence is currently insufficient to determine the role of this variant in disease. Therefore, it has been classified as a Variant of Uncertain Significance.

NM_001369268.1(ACAN):c.7580G>A (p.Arg2527Gln)

Gene: ACAN (aggrecan; plus strand). Cytogenetic location: 15q26.1.
Variant type: single nucleotide variant.
Coding change: c.7580G>A on transcript NM_001369268.1 (MANE Select); coding-DNA position 7580, G replaced by A.
Protein change: p.Arg2527Gln; replaces arginine 2527 with glutamine.
Molecular consequence: missense variant. On other transcripts: intron variant (1).
Genome position (GRCh38, 1-based): chr15:88,873,974, G>A. VCF-style: chr15-88873974-G-A. GRCh37 (hg19) VCF-style: chr15-89417205-G-A.
Other names: c.7352G>A, p.Arg2451Gln (NM_001411096.1); c.7466G>A, p.Arg2489Gln (NM_001411097.1, NM_013227.4); c.7220-431G>A (NM_001135.4); short protein forms R2489Q, R2527Q, R2451Q.
Identifiers: ClinVar variation 4754870 (VCV004754870.1).